The following is an entry in ClinVar:

ClinVar aggregate classification (germline): Uncertain significance. Review status: criteria provided, multiple submitters, no conflicts (2 of 4 stars). 2 submissions from 2 submitters: Uncertain significance (2). Last evaluated 2024-05-14.

Conditions:
Familial hyperaldosteronism type II. Also called: FH II. Identifiers: Orphanet 404, MedGen C1854107, MONDO:0011576, OMIM 605635.
Leukoencephalopathy with mild cerebellar ataxia and white matter edema (LKPAT). Also called: CLCN2-Related Leukoencephalopathy; Leukoencephalopathy with ataxia; Leukoencephalopathy with white matter edema; Brain white matter edema. Identifiers: Orphanet 363540, MedGen C4554120, MONDO:0014292, OMIM 615651. Disease mechanism: loss of function.
Epilepsy, idiopathic generalized, susceptibility to, 11 (EIG11). Identifiers: Orphanet 307, MedGen C2750893, MONDO:0011875, OMIM 607628.

Allele frequency attached by ClinVar (database versions not stated): gnomAD 0.00001; gnomAD exomes 0.00001; ExAC 0.00002.
gnomAD v4.1: 22 of 1,611,736 alleles (0.0014%); highest among the groups gnomAD compares: Middle Eastern, 0.016%; no homozygotes.

Submissions (2):

Fulgent Genetics
Classification: Uncertain significance for Familial hyperaldosteronism type II; Epilepsy, idiopathic generalized, susceptibility to, 11; Leukoencephalopathy with mild cerebellar ataxia and white matter edema. Last evaluated: 2024-05-14. Review status: criteria provided, single submitter. Criteria: ACMG Guidelines, 2015. Collection method: clinical testing. Allele origin: germline.

Labcorp Genetics (formerly Invitae), Labcorp
Classification: Uncertain significance. Last evaluated: 2023-08-19. Review status: criteria provided, single submitter. Criteria: Invitae Variant Classification Sherloc (09022015). Collection method: clinical testing. Allele origin: germline.
Comment: This sequence change replaces arginine, which is basic and polar, with cysteine, which is neutral and slightly polar, at codon 572 of the CLCN2 protein (p.Arg572Cys). This variant is present in population databases (rs760613157, gnomAD 0.02%). This variant has not been reported in the literature in individuals affected with CLCN2-related conditions. Advanced modeling of protein sequence and biophysical properties (such as structural, functional, and spatial information, amino acid conservation, physicochemical variation, residue mobility, and thermodynamic stability) performed at Invitae indicates that this missense variant is not expected to disrupt CLCN2 protein function. In summary, the available evidence is currently insufficient to determine the role of this variant in disease. Therefore, it has been classified as a Variant of Uncertain Significance.

NM_004366.6(CLCN2):c.1714C>T (p.Arg572Cys)

Gene: CLCN2 (chloride voltage-gated channel 2; minus strand). Cytogenetic location: 3q27.1.
Variant type: single nucleotide variant.
Coding change: c.1714C>T on transcript NM_004366.6 (MANE Select); coding-DNA position 1714, C replaced by T.
Protein change: p.Arg572Cys; replaces arginine 572 with cysteine.
Molecular consequence: missense variant.
Genome position (GRCh38, 1-based): chr3:184,354,108, G>A on the plus strand (C>T on the coding strand, the complement: CLCN2 is on the minus strand). VCF-style: chr3-184354108-G-A. GRCh37 (hg19) VCF-style: chr3-184071896-G-A.
Other names: c.1663C>T, p.Arg555Cys (NM_001171087.3); c.1582C>T, p.Arg528Cys (NM_001171088.3); c.1714C>T, p.Arg572Cys (NM_001171089.3); short protein forms R528C, R572C, R555C.
Identifiers: ClinVar variation 3015685 (VCV003015685.4), dbSNP rs760613157, ClinGen allele CA2734017.